The following is an entry in ClinVar:

ClinVar aggregate classification (germline): Uncertain significance (1 of 4 stars; one submission).

Allele frequency attached by ClinVar (database versions not stated): TOPMed below 0.00001; gnomAD 0.00001.
gnomAD v4.1: 10 of 1,609,934 alleles (0.00062%); highest among the groups gnomAD compares: African/African-American, 0.0013%; no homozygotes.

Submission:

Labcorp Genetics (formerly Invitae), Labcorp
Classification: Uncertain significance. Last evaluated: 2021-06-25. Review status: criteria provided, single submitter. Criteria: Invitae Variant Classification Sherloc (09022015). Collection method: clinical testing. Allele origin: germline.
Comment: In summary, the available evidence is currently insufficient to determine the role of this variant in disease. Therefore, it has been classified as a Variant of Uncertain Significance. Algorithms developed to predict the effect of missense changes on protein structure and function are either unavailable or do not agree on the potential impact of this missense change (SIFT: "Tolerated"; PolyPhen-2: "Probably Damaging"; Align-GVGD: "Class C0"). This variant has not been reported in the literature in individuals with SZT2-related conditions. This variant is not present in population databases (ExAC no frequency). This sequence change replaces isoleucine with phenylalanine at codon 3259 of the SZT2 protein (p.Ile3259Phe). The isoleucine residue is highly conserved and there is a small physicochemical difference between isoleucine and phenylalanine.

NM_001365999.1(SZT2):c.9946A>T (p.Ile3316Phe)

Genes: SZT2 (SZT2 subunit of KICSTOR complex; plus strand), SZT2-AS1 (SZT2 antisense RNA 1; minus strand). Cytogenetic location: 1p34.2.
Variant type: single nucleotide variant.
Coding change: c.9946A>T on transcript NM_001365999.1 (MANE Select); coding-DNA position 9946, A replaced by T.
Protein change: p.Ile3316Phe; replaces isoleucine 3316 with phenylalanine.
Molecular consequence: missense variant. On other transcripts: non-coding transcript variant (1).
Genome position (GRCh38, 1-based): chr1:43,448,461, A>T. VCF-style: chr1-43448461-A-T. GRCh37 (hg19) VCF-style: chr1-43914132-A-T.
Other names: c.9775A>T, p.Ile3259Phe (NM_015284.4); short protein forms I3259F, I3316F.
Identifiers: ClinVar variation 1416895 (VCV001416895.7), dbSNP rs1251729127, ClinGen allele CA340046108.
Genomic context (GRCh38, chr1:43,448,461, plus strand): 5'-GGGGGGCGCCTGGCCCTGGCAGAGCTGGAGGAACTCCTAGAAGCAGTCCATGCCAAATCC[A>T]TTGGGGACATCGACCCCCAGCTGGTAAGGAACTGTGGGCTCCCGAAAGAGCTGGGATAGG-3'
Protein context (NP_001352928.1, residues 3306-3326): ELLEAVHAKS[Ile3316Phe]GDIDPQLDCF